The following is an entry in ClinVar:

NM_014208.3(DSPP):c.2368A>G (p.Asn790Asp)

Genes: DMP1-AS1 (DMP1 and DSPP antisense RNA 1; minus strand), DSPP (dentin sialophosphoprotein; plus strand). Cytogenetic location: 4q22.1.
Variant type: single nucleotide variant.
Coding change: c.2368A>G on transcript NM_014208.3 (MANE Select); coding-DNA position 2368, A replaced by G.
Protein change: p.Asn790Asp; replaces asparagine 790 with aspartic acid.
Molecular consequence: missense variant.
Genome position (GRCh38, 1-based): chr4:87,615,030, A>G. VCF-style: chr4-87615030-A-G. GRCh37 (hg19) VCF-style: chr4-88536182-A-G.
Other names: short protein forms N790D.
Identifiers: ClinVar variation 4084787 (VCV004084787.8).

ClinVar aggregate classification (germline): Likely benign (1 of 4 stars; one submission).

Submission:

CeGaT Center for Human Genetics Tuebingen
Classification: Likely benign. Last evaluated: 2025-08-01. Review status: criteria provided, single submitter. Criteria: CeGaT Center For Human Genetics Tuebingen Variant Classification Criteria Version 2. Collection method: clinical testing. Allele origin: germline. Affected: yes. Observed: 1 variant allele.
Comment: DSPP: BP4